The following is an entry in ClinVar:

ClinVar aggregate classification (germline): Likely benign. Review status: criteria provided, multiple submitters, no conflicts (2 of 4 stars). 2 submissions from 2 submitters: Likely benign (2). Last evaluated 2025-11-06.

Conditions:
Early-infantile DEE. Also called: Ohtahara syndrome; Early infantile epileptic encephalopathy; Early infantile epileptic encephalopathy with suppression bursts. Identifiers: Orphanet 1934, MedGen C0393706, MONDO:0800491.

Allele frequency attached by ClinVar (database versions not stated): gnomAD below 0.00001 and 0.00001; gnomAD exomes 0.00002; ExAC 0.00003.
gnomAD v4.1: 14 of 1,529,678 alleles (0.00092%); highest among the groups gnomAD compares: South Asian, 0.013%; no homozygotes.

Submissions (2):

Labcorp Genetics (formerly Invitae), Labcorp
Classification: Likely benign for Early-infantile DEE. Last evaluated: 2025-11-06. Review status: criteria provided, single submitter. Criteria: Invitae Variant Classification Sherloc (09022015). Collection method: clinical testing. Allele origin: germline.

GeneDx
Classification: Likely benign. Last evaluated: 2018-01-17. Review status: criteria provided, single submitter. Criteria: GeneDx Variant Classification (06012015). Collection method: clinical testing. Allele origin: germline. Affected: yes.
Comment: This variant is considered likely benign or benign based on one or more of the following criteria: it is a conservative change, it occurs at a poorly conserved position in the protein, it is predicted to be benign by multiple in silico algorithms, and/or has population frequency not consistent with disease.

NM_001165963.4(SCN1A):c.4477-11C>A

Genes: SCN1A (sodium voltage-gated channel alpha subunit 1; minus strand), LOC102724058 (uncharacterized LOC102724058; plus strand). Cytogenetic location: 2q24.3.
Variant type: single nucleotide variant.
Coding change: c.4477-11C>A on transcript NM_001165963.4 (MANE Select); 11 bases into the intron before coding-DNA position 4477, C replaced by A.
Molecular consequence: intron variant.
Genome position (GRCh38, 1-based): chr2:165,996,128, G>T on the plus strand (C>A on the coding strand, the complement: SCN1A is on the minus strand). VCF-style: chr2-165996128-G-T. GRCh37 (hg19) VCF-style: chr2-166852638-G-T.
Other names: c.4444-11C>A (NM_001353949.2, NM_001353950.2, NM_001353951.2 and 2 more transcripts); c.4393-11C>A (NM_001353958.2, NM_001353957.2, NM_001165964.3); c.4477-11C>A (NM_001202435.3, NM_001353948.2); c.4441-11C>A (NM_001353955.2, NM_001353954.2); c.4390-11C>A (NM_001353960.2); c.2035-11C>A (NM_001353961.2).
Identifiers: ClinVar variation 507212 (VCV000507212.2), dbSNP rs775315152, ClinGen allele CA1942783.